The following is an entry in ClinVar:

NM_031433.4(MFRP):c.178C>T (p.Arg60Trp)

Genes: C1QTNF5 (C1q and TNF related 5; minus strand), MFRP (membrane frizzled-related protein; minus strand). Cytogenetic location: 11q23.3.
Variant type: single nucleotide variant.
Coding change: c.178C>T on transcript NM_031433.4 (MANE Select); coding-DNA position 178, C replaced by T.
Protein change: p.Arg60Trp; replaces arginine 60 with tryptophan.
Molecular consequence: missense variant. On other transcripts: 5 prime UTR variant (1).
Genome position (GRCh38, 1-based): chr11:119,346,139, G>A on the plus strand (C>T on the coding strand, the complement: MFRP is on the minus strand). VCF-style: chr11-119346139-G-A. GRCh37 (hg19) VCF-style: chr11-119216849-G-A.
Other names: c.-2459C>T (NM_015645.5); short protein forms R60W.
Identifiers: ClinVar variation 1042115 (VCV001042115.9), dbSNP rs771937766, ClinGen allele CA6320671.

ClinVar aggregate classification (germline): Uncertain significance. Review status: criteria provided, multiple submitters, no conflicts (2 of 4 stars). 2 submissions from 2 submitters: Uncertain significance (2). Last evaluated 2023-09-28.

Conditions:
Isolated microphthalmia 5. Also called: Posterior Microphthalmia with Retinitis Pigmentosa, Foveoschisis, and Optic Disc Drusen. Identifiers: Orphanet 251279, MedGen C1970236, MONDO:0012605, OMIM 611040.

Allele frequency attached by ClinVar (database versions not stated): gnomAD exomes 0.00003 and 0.00002; gnomAD 0.00005 and 0.00006; TOPMed 0.00004; ExAC 0.00005.
gnomAD v4.1: 29 of 1,598,572 alleles (0.0018%); highest among the groups gnomAD compares: African/African-American, 0.017%; no homozygotes.

Submissions (2):

Blueprint Genetics
Classification: Uncertain significance. Last evaluated: 2023-09-28. Review status: criteria provided, single submitter. Criteria: ACMG Guidelines, 2015. Collection method: clinical testing. Allele origin: germline.

Labcorp Genetics (formerly Invitae), Labcorp
Classification: Uncertain significance for Isolated microphthalmia 5. Last evaluated: 2022-04-12. Review status: criteria provided, single submitter. Criteria: Invitae Variant Classification Sherloc (09022015). Collection method: clinical testing. Allele origin: germline.
Comment: This sequence change replaces arginine, which is basic and polar, with tryptophan, which is neutral and slightly polar, at codon 60 of the MFRP protein (p.Arg60Trp). The frequency data for this variant in the population databases is considered unreliable, as metrics indicate poor data quality at this position in the gnomAD database. This variant has not been reported in the literature in individuals affected with MFRP-related conditions. ClinVar contains an entry for this variant (Variation ID: 1042115). Algorithms developed to predict the effect of missense changes on protein structure and function are either unavailable or do not agree on the potential impact of this missense change (SIFT: "Deleterious"; PolyPhen-2: "Possibly Damaging"; Align-GVGD: "Class C0"). In summary, the available evidence is currently insufficient to determine the role of this variant in disease. Therefore, it has been classified as a Variant of Uncertain Significance.